The following is an entry in ClinVar:

ClinVar aggregate classification (germline): Uncertain significance (1 of 4 stars; one submission).

Allele frequency attached by ClinVar (database versions not stated): gnomAD exomes below 0.00001.
gnomAD v4.1: 1 of 1,566,752 alleles (0.000064%); highest among the groups gnomAD compares: Non-Finnish European, 0.000086%; no homozygotes.

Submission:

Labcorp Genetics (formerly Invitae), Labcorp
Classification: Uncertain significance. Last evaluated: 2022-09-16. Review status: criteria provided, single submitter. Criteria: Invitae Variant Classification Sherloc (09022015). Collection method: clinical testing. Allele origin: germline.
Comment: This variant has not been reported in the literature in individuals affected with CLCN7-related conditions. This sequence change replaces isoleucine, which is neutral and non-polar, with serine, which is neutral and polar, at codon 407 of the CLCN7 protein (p.Ile407Ser). This variant is present in population databases (no rsID available, gnomAD 0.001%). Algorithms developed to predict the effect of missense changes on protein structure and function (SIFT, PolyPhen-2, Align-GVGD) all suggest that this variant is likely to be disruptive. Algorithms developed to predict the effect of sequence changes on RNA splicing suggest that this variant may create or strengthen a splice site. In summary, the available evidence is currently insufficient to determine the role of this variant in disease. Therefore, it has been classified as a Variant of Uncertain Significance.

NM_001287.6(CLCN7):c.1220T>G (p.Ile407Ser)

Gene: CLCN7 (chloride voltage-gated channel 7; minus strand). Cytogenetic location: 16p13.3.
Variant type: single nucleotide variant.
Coding change: c.1220T>G on transcript NM_001287.6 (MANE Select); coding-DNA position 1220, T replaced by G.
Protein change: p.Ile407Ser; replaces isoleucine 407 with serine.
Molecular consequence: missense variant.
Genome position (GRCh38, 1-based): chr16:1,452,888, A>C on the plus strand (T>G on the coding strand, the complement: CLCN7 is on the minus strand). VCF-style: chr16-1452888-A-C. GRCh37 (hg19) VCF-style: chr16-1502889-A-C.
Other names: c.1148T>G, p.Ile383Ser (NM_001114331.3); short protein forms I383S, I407S.
Identifiers: ClinVar variation 2097915 (VCV002097915.4), dbSNP rs1177824805, ClinGen allele CA394189301.
Genomic context (GRCh38, chr16:1,452,888, plus strand): 5'-ACTGTGGCCGTGACGGCGGCCACCAGCACGGCCTCAATCACCTGCAGGCAGGGCCGGTGG[A>C]TGTACCTGGAACCAAGAATCAGGCTGCATGGCAGGCAGGACGGCAGCGCGGCCCCTCCGC-3'
Protein context (NP_001278.1, residues 397-417): YWLTMFRIRY[Ile407Ser]HRPCLQVIEA